The following is an entry in ClinVar:

ClinVar aggregate classification (germline): Uncertain significance (1 of 4 stars; one submission).

Submission:

GeneDx
Classification: Uncertain significance. Last evaluated: 2018-09-10. Review status: criteria provided, single submitter. Criteria: GeneDx Variant Classification Process June 2021. Collection method: clinical testing. Allele origin: germline. Affected: yes.
Comment: Does not affect a cysteine residue within a calcium-binding EGF-like domain of the FBN2 gene.; Cysteine substitutions in the calcium-binding EGF-like domains represent the majority of pathogenic missense changes associated with congenital contractural arachnodactyly (Collod-Beroud et al., 2003)

NM_001999.4(FBN2):c.455G>A (p.Arg152Lys)

Gene: FBN2 (fibrillin 2; minus strand). Cytogenetic location: 5q23.3.
Variant type: single nucleotide variant.
Coding change: c.455G>A on transcript NM_001999.4 (MANE Select); coding-DNA position 455, G replaced by A.
Protein change: p.Arg152Lys; replaces arginine 152 with lysine.
Molecular consequence: missense variant.
Genome position (GRCh38, 1-based): chr5:128,527,949, C>T on the plus strand (G>A on the coding strand, the complement: FBN2 is on the minus strand). VCF-style: chr5-128527949-C-T. GRCh37 (hg19) VCF-style: chr5-127863642-C-T.
Other names: short protein forms R152K.
Identifiers: ClinVar variation 1304137 (VCV001304137.2), dbSNP rs754613587, ClinGen allele CA127051006.